The following is an entry in ClinVar:

NM_014159.7(SETD2):c.1031G>A (p.Ser344Asn)

Gene: SETD2 (SET domain containing 2, histone lysine methyltransferase; minus strand). Cytogenetic location: 3p21.31.
Variant type: single nucleotide variant.
Coding change: c.1031G>A on transcript NM_014159.7 (MANE Select); coding-DNA position 1031, G replaced by A.
Protein change: p.Ser344Asn; replaces serine 344 with asparagine.
Molecular consequence: missense variant. On other transcripts: non-coding transcript variant (1).
Genome position (GRCh38, 1-based): chr3:47,123,605, C>T on the plus strand (G>A on the coding strand, the complement: SETD2 is on the minus strand). VCF-style: chr3-47123605-C-T. GRCh37 (hg19) VCF-style: chr3-47165095-C-T.
Other names: c.899G>A, p.Ser300Asn (NM_001349370.3); short protein forms S300N, S344N.
Identifiers: ClinVar variation 1700697 (VCV001700697.5), dbSNP rs760794263, ClinGen allele CA2363714.

ClinVar aggregate classification (germline): Uncertain significance. Review status: criteria provided, multiple submitters, no conflicts (2 of 4 stars). 2 submissions from 2 submitters: Uncertain significance (2). Last evaluated 2024-10-29.

Conditions:
Luscan-Lumish syndrome. Identifiers: Orphanet 597738, MedGen C4085873, MONDO:0014791, OMIM 616831.

Allele frequency attached by ClinVar (database versions not stated): gnomAD exomes below 0.00001 and 0.00001; gnomAD 0.00001; TOPMed 0.00001; ExAC 0.00005.
gnomAD v4.1: 6 of 1,549,936 alleles (0.00039%); highest among the groups gnomAD compares: African/African-American, 0.0014%; no homozygotes.

Submissions (2):

Labcorp Genetics (formerly Invitae), Labcorp
Classification: Uncertain significance for Luscan-Lumish syndrome. Last evaluated: 2024-10-29. Review status: criteria provided, single submitter. Criteria: Invitae Variant Classification Sherloc (09022015). Collection method: clinical testing. Allele origin: germline.
Comment: This sequence change replaces serine, which is neutral and polar, with asparagine, which is neutral and polar, at codon 344 of the SETD2 protein (p.Ser344Asn). This variant is present in population databases (rs760794263, gnomAD 0.01%). This variant has not been reported in the literature in individuals affected with SETD2-related conditions. ClinVar contains an entry for this variant (Variation ID: 1700697). Invitae Evidence Modeling of protein sequence and biophysical properties (such as structural, functional, and spatial information, amino acid conservation, physicochemical variation, residue mobility, and thermodynamic stability) indicates that this missense variant is not expected to disrupt SETD2 protein function with a negative predictive value of 80%. In summary, the available evidence is currently insufficient to determine the role of this variant in disease. Therefore, it has been classified as a Variant of Uncertain Significance.

Centre of Medical Genetics, University Hospital Muenster
Classification: Uncertain significance. Last evaluated: 2022-07-13. Review status: criteria provided, single submitter. Criteria: ACMG Guidelines, 2015. Collection method: clinical testing. Allele origin: unknown. Affected: yes. Observed: 1 variant allele, 1 heterozygote.
Comment: ACMG categories: PM2,BP4